The following is an entry in ClinVar:

ClinVar aggregate classification (germline): Conflicting classifications of pathogenicity. Review status: criteria provided, conflicting classifications (1 of 4 stars). 4 submissions from 4 submitters: Uncertain significance (2); Likely benign (2). Last evaluated 2025-12-23.

Conditions:
Charcot-Marie-Tooth disease type 4B3. Also called: Charcot-Marie-Tooth Neuropathy Type 4B3; CHARCOT-MARIE-TOOTH DISEASE, DEMYELINATING, TYPE 4B3. Identifiers: Orphanet 363981, MedGen C3695063, MONDO:0014117, OMIM 615284.

Allele frequency attached by ClinVar (database versions not stated): gnomAD exomes 0.00029; ExAC 0.00035; 1000 Genomes Project 30x 0.00078; ESP Exome Variant Server 0.00097; 1000 Genomes Project 0.00100; gnomAD 0.00119 and 0.00125; TOPMed 0.00127.
gnomAD v4.1: 372 of 1,611,694 alleles (0.023%); highest among the groups gnomAD compares: African/African-American, 0.38%; 2 homozygotes.

Submissions (4):

Labcorp Genetics (formerly Invitae), Labcorp
Classification: Likely benign. Last evaluated: 2025-12-23. Review status: criteria provided, single submitter. Criteria: Invitae Variant Classification Sherloc (09022015). Collection method: clinical testing. Allele origin: germline.

Ambry Genetics
Classification: Uncertain significance. Last evaluated: 2025-08-03. Review status: criteria provided, single submitter. Criteria: Ambry Variant Classification Scheme 2023. Collection method: clinical testing. Allele origin: germline.

Women's Health and Genetics/Laboratory Corporation of America, LabCorp
Classification: Likely benign. Last evaluated: 2025-07-21. Review status: criteria provided, single submitter. Criteria: LabCorp Variant Classification Summary - May 2015. Collection method: clinical testing. Allele origin: germline.
Comment: Variant summary: SBF1 c.2785G>A (p.Val929Ile) results in a conservative amino acid change in the encoded protein sequence. Algorithms developed to predict the effect of missense changes on protein structure and function all suggest that this variant is likely to be tolerated. The variant allele was found at a frequency of 0.00029 in 243196 control chromosomes, predominantly at a frequency of 0.0034 within the African or African-American subpopulation in the gnomAD database. The observed variant frequency within African or African-American control individuals in the gnomAD database is approximately 3.041 fold of the estimated maximal expected allele frequency for a pathogenic variant in SBF1 causing Charcot-Marie-Tooth disease type 4B3 phenotype (0.0011). To our knowledge, no occurrence of c.2785G>A in individuals affected with Charcot-Marie-Tooth disease type 4B3 and no experimental evidence demonstrating its impact on protein function have been reported. ClinVar contains an entry for this variant (Variation ID: 729706). Based on the evidence outlined above, the variant was classified as likely benign.

ARUP Laboratories, Molecular Genetics and Genomics, ARUP Laboratories
Classification: Uncertain significance for Charcot-Marie-Tooth disease type 4B3. Last evaluated: 2021-09-27. Review status: criteria provided, single submitter. Criteria: ARUP Molecular Germline Variant Investigation Process 2021. Collection method: clinical testing. Allele origin: germline.
Comment: The SBF1 c.2785G>A; p.Val929Ile variant (rs370463792), to our knowledge, is not reported in the medical literature; however, this variant is listed in the ClinVar database (Variation ID: 729706). This variant is found in the African population with an overall allele frequency of 0.35% (83/23700 alleles) in the Genome Aggregation Database. The valine at codon 929 is weakly conserved, and computational analyses predict that this variant is neutral (REVEL: 0.107). Based on the available information, the clinical significance of this variant is uncertain.

NM_002972.4(SBF1):c.2785G>A (p.Val929Ile)

Gene: SBF1 (SET binding factor 1; minus strand). Cytogenetic location: 22q13.33.
Variant type: single nucleotide variant.
Coding change: c.2785G>A on transcript NM_002972.4 (MANE Select); coding-DNA position 2785, G replaced by A.
Protein change: p.Val929Ile; replaces valine 929 with isoleucine.
Molecular consequence: missense variant.
Genome position (GRCh38, 1-based): chr22:50,461,577, C>T on the plus strand (G>A on the coding strand, the complement: SBF1 is on the minus strand). VCF-style: chr22-50461577-C-T. GRCh37 (hg19) VCF-style: chr22-50900006-C-T.
Other names: c.2788G>A, p.Val930Ile (NM_001365819.1); c.2785G>A (NM_002972.2); short protein forms V930I, V929I.
Identifiers: ClinVar variation 729706 (VCV000729706.19), dbSNP rs370463792, ClinGen allele CA10317057.